The following is an entry in ClinVar:

NM_004380.3(CREBBP):c.1109G>C (p.Arg370Pro)

Gene: CREBBP (CREB binding lysine acetyltransferase; minus strand). Cytogenetic location: 16p13.3.
Variant type: single nucleotide variant.
Coding change: c.1109G>C on transcript NM_004380.3 (MANE Select); coding-DNA position 1109, G replaced by C.
Protein change: p.Arg370Pro; replaces arginine 370 with proline.
Molecular consequence: missense variant.
Genome position (GRCh38, 1-based): chr16:3,793,493, C>G on the plus strand (G>C on the coding strand, the complement: CREBBP is on the minus strand). VCF-style: chr16-3793493-C-G. GRCh37 (hg19) VCF-style: chr16-3843494-C-G.
Other names: c.1109G>C, p.Arg370Pro (NM_001079846.1); short protein forms R370P.
Identifiers: ClinVar variation 1426452 (VCV001426452.9), dbSNP rs1179677806, ClinGen allele CA394563094.

ClinVar aggregate classification (germline): Uncertain significance. Review status: criteria provided, multiple submitters, no conflicts (2 of 4 stars). 2 submissions from 2 submitters: Uncertain significance (2). Last evaluated 2022-12-13.

Conditions:
Rubinstein-Taybi syndrome (RSTS). Identifiers: Orphanet 783, MedGen C0035934, MONDO:0019188.

gnomAD v4.1: 3 of 1,614,156 alleles (0.00019%); highest among the groups gnomAD compares: African/African-American, 0.0013%; no homozygotes.

Submissions (2):

GeneDx
Classification: Uncertain significance. Last evaluated: 2022-12-13. Review status: criteria provided, single submitter. Criteria: GeneDx Variant Classification Process June 2021. Collection method: clinical testing. Allele origin: germline. Affected: yes.
Comment: Not observed at significant frequency in large population cohorts (gnomAD); In silico analysis supports that this missense variant has a deleterious effect on protein structure/function; Reported previously as a de novo variant with confirmed parentage in a patient with Tourette syndrome; however further clinical information was not provided, and the patient was also found to harbor de novo variants in two other genes (Willsey et al., 2017); This variant is associated with the following publications: (PMID: 28472652)

Labcorp Genetics (formerly Invitae), Labcorp
Classification: Uncertain significance for Rubinstein-Taybi syndrome. Last evaluated: 2022-06-20. Review status: criteria provided, single submitter. Criteria: Invitae Variant Classification Sherloc (09022015). Collection method: clinical testing. Allele origin: germline.
Comment: In summary, the available evidence is currently insufficient to determine the role of this variant in disease. Therefore, it has been classified as a Variant of Uncertain Significance. Advanced modeling of protein sequence and biophysical properties (such as structural, functional, and spatial information, amino acid conservation, physicochemical variation, residue mobility, and thermodynamic stability) performed at Invitae indicates that this missense variant is expected to disrupt CREBBP protein function. This variant has not been reported in the literature in individuals affected with CREBBP-related conditions. This variant is not present in population databases (gnomAD no frequency). This sequence change replaces arginine, which is basic and polar, with proline, which is neutral and non-polar, at codon 370 of the CREBBP protein (p.Arg370Pro).